The following is an entry in ClinVar:

NM_205768.3(ZBTB18):c.1126G>A (p.Gly376Ser)

Gene: ZBTB18 (zinc finger and BTB domain containing 18; plus strand). Cytogenetic location: 1q44.
Variant type: single nucleotide variant.
Coding change: c.1126G>A on transcript NM_205768.3 (MANE Select); coding-DNA position 1126, G replaced by A.
Protein change: p.Gly376Ser; replaces glycine 376 with serine.
Molecular consequence: missense variant. On other transcripts: 3 prime UTR variant (1).
Genome position (GRCh38, 1-based): chr1:244,054,900, G>A. VCF-style: chr1-244054900-G-A. GRCh37 (hg19) VCF-style: chr1-244218202-G-A.
Other names: c.1099G>A, p.Gly367Ser (NM_001278196.2, NM_006352.5); c.*303G>A (NM_001421566.1); short protein forms G367S, G376S.
Identifiers: ClinVar variation 2640219 (VCV002640219.25), dbSNP rs750387178, ClinGen allele CA1484405.
Genomic context (GRCh38, chr1:244,054,900, plus strand): 5'-GTGGAGGGAGGCATGGAGAGCAGTCTGCTCCCCTACGTCTCCAACATCCTGAGCCCCGCG[G>A]GCCAGATCTTCATGTGCCCCCTGTGCAACAAGGTCTTCCCCAGCCCCCACATCCTGCAGA-3'
Protein context (NP_991331.1, residues 366-386): PYVSNILSPA[Gly376Ser]QIFMCPLCNK

ClinVar aggregate classification (germline): Uncertain significance. Review status: criteria provided, multiple submitters, no conflicts (2 of 4 stars). 2 submissions from 2 submitters: Uncertain significance (2). Last evaluated 2025-09-20.

Allele frequency attached by ClinVar (database versions not stated): TOPMed below 0.00001; ExAC 0.00001; gnomAD exomes 0.00001.
gnomAD v4.1: 8 of 1,614,126 alleles (0.0005%); highest among the groups gnomAD compares: Non-Finnish European, 0.00068%; no homozygotes.

Submissions (2):

Labcorp Genetics (formerly Invitae), Labcorp
Classification: Uncertain significance. Last evaluated: 2025-09-20. Review status: criteria provided, single submitter. Criteria: Invitae Variant Classification Sherloc (09022015). Collection method: clinical testing. Allele origin: germline.
Comment: This sequence change replaces glycine, which is neutral and non-polar, with serine, which is neutral and polar, at codon 376 of the ZBTB18 protein (p.Gly376Ser). This variant is present in population databases (rs750387178, gnomAD 0.002%). This variant has not been reported in the literature in individuals affected with ZBTB18-related conditions. ClinVar contains an entry for this variant (Variation ID: 2640219). Invitae Evidence Modeling of protein sequence and biophysical properties (such as structural, functional, and spatial information, amino acid conservation, physicochemical variation, residue mobility, and thermodynamic stability) indicates that this missense variant is not expected to disrupt ZBTB18 protein function with a negative predictive value of 95%. In summary, the available evidence is currently insufficient to determine the role of this variant in disease. Therefore, it has been classified as a Variant of Uncertain Significance.

CeGaT Center for Human Genetics Tuebingen
Classification: Uncertain significance. Last evaluated: 2023-02-01. Review status: criteria provided, single submitter. Criteria: CeGaT Center For Human Genetics Tuebingen Variant Classification Criteria Version 2. Collection method: clinical testing. Allele origin: germline. Affected: yes. Observed: 1 variant allele.
Comment: ZBTB18: PP2